The following is an entry in ClinVar:

ClinVar aggregate classification (germline): Uncertain significance (1 of 4 stars; one submission).

Submission:

Labcorp Genetics (formerly Invitae), Labcorp
Classification: Uncertain significance. Last evaluated: 2021-11-21. Review status: criteria provided, single submitter. Criteria: Invitae Variant Classification Sherloc (09022015). Collection method: clinical testing. Allele origin: germline.
Comment: This sequence change replaces isoleucine, which is neutral and non-polar, with phenylalanine, which is neutral and non-polar, at codon 77 of the EFEMP1 protein (p.Ile77Phe). This variant is not present in population databases (gnomAD no frequency). This variant has not been reported in the literature in individuals affected with EFEMP1-related conditions. Algorithms developed to predict the effect of missense changes on protein structure and function are either unavailable or do not agree on the potential impact of this missense change (SIFT: "Deleterious"; PolyPhen-2: "Probably Damaging"; Align-GVGD: "Class C15"). In summary, the available evidence is currently insufficient to determine the role of this variant in disease. Therefore, it has been classified as a Variant of Uncertain Significance.

NM_001039348.3(EFEMP1):c.229A>T (p.Ile77Phe)

Gene: EFEMP1 (EGF-like fibulin extracellular matrix protein 1; minus strand). Cytogenetic location: 2p16.1.
Variant type: single nucleotide variant.
Coding change: c.229A>T on transcript NM_001039348.3 (MANE Select); coding-DNA position 229, A replaced by T.
Protein change: p.Ile77Phe; replaces isoleucine 77 with phenylalanine.
Molecular consequence: missense variant.
Genome position (GRCh38, 1-based): chr2:55,917,953, T>A on the plus strand (A>T on the coding strand, the complement: EFEMP1 is on the minus strand). VCF-style: chr2-55917953-T-A. GRCh37 (hg19) VCF-style: chr2-56145088-T-A.
Other names: c.229A>T, p.Ile77Phe (NM_001039349.3); short protein forms I77F.
Identifiers: ClinVar variation 1377786 (VCV001377786.6), dbSNP rs2104452799, ClinGen allele CA347026904.
Genomic context (GRCh38, chr2:55,917,953, plus strand): 5'-CCCCTGAGGTTCCTTCTGCTGGTTGTGTTTCCTGCTGAGGCTGTTCATTATTGACAATAA[T>A]CTGGGCTGTTTTCGGAAGGCAGAGGTATCCTCCATAGTGGTTGACACACTTCATTCCACC-3'
Protein context (NP_001034437.1, residues 67-87): GYLCLPKTAQ[Ile77Phe]IVNNEQPQQE